The following is an entry in ClinVar:

NM_003079.5(SMARCE1):c.1204G>A (p.Asp402Asn)

Gene: SMARCE1 (SWI/SNF related BAF chromatin remodeling complex subunit E1; minus strand). Cytogenetic location: 17q21.2.
Variant type: single nucleotide variant.
Coding change: c.1204G>A on transcript NM_003079.5 (MANE Select); coding-DNA position 1204, G replaced by A.
Protein change: p.Asp402Asn; replaces aspartic acid 402 with asparagine.
Molecular consequence: missense variant.
Genome position (GRCh38, 1-based): chr17:40,628,817, C>T on the plus strand (G>A on the coding strand, the complement: SMARCE1 is on the minus strand). VCF-style: chr17-40628817-C-T. GRCh37 (hg19) VCF-style: chr17-38785069-C-T.
Other names: short protein forms D402N.
Identifiers: ClinVar variation 818589 (VCV000818589.5), dbSNP rs1597741187, ClinGen allele CA399360846.

ClinVar aggregate classification (germline): Uncertain significance (1 of 4 stars; one submission).

Conditions:
Hereditary cancer-predisposing syndrome. Also called: Tumor predisposition; Hereditary neoplastic syndrome; Neoplastic Syndromes, Hereditary; Hereditary Cancer Syndrome. Identifiers: Orphanet 140162, MedGen C0027672, MeSH D009386, MONDO:0015356.

Submission:

Ambry Genetics
Classification: Uncertain significance for Hereditary cancer-predisposing syndrome. Last evaluated: 2025-01-06. Review status: criteria provided, single submitter. Criteria: Ambry Variant Classification Scheme 2023. Collection method: clinical testing. Allele origin: germline.
Comment: The p.D402N variant (also known as c.1204G>A), located in coding exon 10 of the SMARCE1 gene, results from a G to A substitution at nucleotide position 1204. The aspartic acid at codon 402 is replaced by asparagine, an amino acid with highly similar properties. This amino acid position is highly conserved in available vertebrate species. In addition, this alteration is predicted to be tolerated by in silico analysis. Since supporting evidence is limited at this time, the clinical significance of this alteration remains unclear.